The following is an entry in ClinVar:

ClinVar aggregate classification (germline): Uncertain significance. Review status: criteria provided, multiple submitters, no conflicts (2 of 4 stars). 4 submissions from 4 submitters: Uncertain significance (4). Last evaluated 2025-09-29.

Conditions:
Inborn genetic diseases. Identifiers: MedGen C0950123, MeSH D030342.
Multiple congenital anomalies-hypotonia-seizures syndrome 3 (MCAHS3). Also called: GLYCOSYLPHOSPHATIDYLINOSITOL BIOSYNTHESIS DEFECT 7. Identifiers: Orphanet 369837, MedGen C3809356, MONDO:0014165, OMIM 615398.

Allele frequency attached by ClinVar (database versions not stated): gnomAD exomes 0.00006; TOPMed 0.00006; gnomAD 0.00007 and 0.00008; ESP Exome Variant Server 0.00008; ExAC 0.00009.
gnomAD v4.1: 177 of 1,610,742 alleles (0.011%); highest among the groups gnomAD compares: Non-Finnish European, 0.014%; no homozygotes.

Submissions (4):

Mayo Clinic Laboratories, Mayo Clinic
Classification: Uncertain significance. Last evaluated: 2025-09-29. Review status: criteria provided, single submitter. Criteria: ACMG Guidelines, 2015. Collection method: clinical testing. Allele origin: germline. Observed: 1 variant allele.
Comment: BP4_moderate, PP2

GeneDx
Classification: Uncertain significance. Last evaluated: 2025-07-25. Review status: criteria provided, single submitter. Criteria: GeneDx Variant Classification Process June 2021. Collection method: clinical testing. Allele origin: germline. Affected: yes.
Comment: Not observed at significant frequency in large population cohorts (gnomAD); In silico analysis suggests that this missense variant does not alter protein structure/function; In silico analysis is inconclusive as to whether the variant alters gene splicing. In the absence of RNA/functional studies, the actual effect of this sequence change is unknown.; Has not been previously published as pathogenic or benign to our knowledge

Labcorp Genetics (formerly Invitae), Labcorp
Classification: Uncertain significance for Multiple congenital anomalies-hypotonia-seizures syndrome 3. Last evaluated: 2023-07-07. Review status: criteria provided, single submitter. Criteria: Invitae Variant Classification Sherloc (09022015). Collection method: clinical testing. Allele origin: germline.
Comment: Algorithms developed to predict the effect of missense changes on protein structure and function output the following: SIFT: "Not Available"; PolyPhen-2: "Benign"; Align-GVGD: "Not Available". The histidine amino acid residue is found in multiple mammalian species, which suggests that this missense change does not adversely affect protein function. In summary, the available evidence is currently insufficient to determine the role of this variant in disease. Therefore, it has been classified as a Variant of Uncertain Significance. Algorithms developed to predict the effect of sequence changes on RNA splicing suggest that this variant may disrupt the consensus splice site. ClinVar contains an entry for this variant (Variation ID: 1041968). This variant has not been reported in the literature in individuals affected with PIGT-related conditions. This variant is present in population databases (rs139991610, gnomAD 0.01%). This sequence change replaces arginine, which is basic and polar, with histidine, which is basic and polar, at codon 230 of the PIGT protein (p.Arg230His).

Ambry Genetics
Classification: Uncertain significance for Inborn genetic diseases. Last evaluated: 2022-06-23. Review status: criteria provided, single submitter. Criteria: Ambry Variant Classification Scheme 2023. Collection method: clinical testing. Allele origin: germline.
Comment: The c.689G>A (p.R230H) alteration is located in exon 6 (coding exon 6) of the PIGT gene. This alteration results from a G to A substitution at nucleotide position 689, causing the arginine (R) at amino acid position 230 to be replaced by a histidine (H). The p.R230H alteration is predicted to be tolerated by in silico analysis. Based on insufficient or conflicting evidence, the clinical significance of this alteration remains unclear.

NM_015937.6(PIGT):c.689G>A (p.Arg230His)

Gene: PIGT (phosphatidylinositol glycan anchor biosynthesis class T; plus strand). Cytogenetic location: 20q13.12.
Variant type: single nucleotide variant.
Coding change: c.689G>A on transcript NM_015937.6 (MANE Select); coding-DNA position 689, G replaced by A.
Protein change: p.Arg230His; replaces arginine 230 with histidine.
Molecular consequence: missense variant. On other transcripts: non-coding transcript variant (5).
Genome position (GRCh38, 1-based): chr20:45,420,143, G>A. VCF-style: chr20-45420143-G-A. GRCh37 (hg19) VCF-style: chr20-44048783-G-A.
Other names: p.Arg230His; c.689G>A (NM_015937.5, NM_015937.4); c.521G>A, p.Arg174His (NM_001184728.3); c.689G>A, p.Arg230His (NM_001184729.3); c.383G>A, p.Arg128His (NM_001184730.3); short protein forms R174H, R230H, R128H.
Identifiers: ClinVar variation 1041968 (VCV001041968.7), dbSNP rs139991610, ClinGen allele CA9878019.